The following is an entry in ClinVar:

ClinVar aggregate classification (germline): Conflicting classifications of pathogenicity. Review status: criteria provided, conflicting classifications (1 of 4 stars). 2 submissions from 2 submitters: Uncertain significance (1); Likely benign (1). Last evaluated 2025-11-13.

Conditions:
Hereditary cancer-predisposing syndrome. Also called: Hereditary Cancer Syndrome; Hereditary neoplastic syndrome; Neoplastic Syndromes, Hereditary; Tumor predisposition. Identifiers: Orphanet 140162, MedGen C0027672, MeSH D009386, MONDO:0015356.
Tuberous sclerosis 1 (TSC1). Identifiers: Orphanet 805, MedGen C1854465, MONDO:0008612, OMIM 191100.

Submissions (2):

Labcorp Genetics (formerly Invitae), Labcorp
Classification: Likely benign for Tuberous sclerosis 1. Last evaluated: 2025-11-13. Review status: criteria provided, single submitter. Criteria: Invitae Variant Classification Sherloc (09022015). Collection method: clinical testing. Allele origin: germline.

Ambry Genetics
Classification: Uncertain significance for Hereditary cancer-predisposing syndrome. Last evaluated: 2024-11-09. Review status: criteria provided, single submitter. Criteria: Ambry Variant Classification Scheme 2023. Collection method: clinical testing. Allele origin: germline.
Comment: The c.2463G>A variant (also known as p.V821V), located in coding exon 17 of the TSC1 gene, results from a G to A substitution at nucleotide position 2463. This nucleotide substitution does not change the valine at codon 821. This nucleotide position is not well conserved in available vertebrate species. In silico splice site analysis predicts that this alteration will weaken the native splice donor site and may result in the creation or strengthening of a novel splice donor site. Based on the available evidence, the clinical significance of this variant remains unclear.

NM_000368.5(TSC1):c.2463G>A (p.Val821=)

Gene: TSC1 (TSC complex subunit 1; minus strand). Cytogenetic location: 9q34.13.
Variant type: single nucleotide variant.
Coding change: c.2463G>A on transcript NM_000368.5 (MANE Select); coding-DNA position 2463, G replaced by A.
Protein change: p.Val821=; no amino-acid change (valine 821 retained).
Molecular consequence: synonymous variant.
Genome position (GRCh38, 1-based): chr9:132,901,628, C>T on the plus strand (G>A on the coding strand, the complement: TSC1 is on the minus strand). VCF-style: chr9-132901628-C-T. GRCh37 (hg19) VCF-style: chr9-135777015-C-T.
Other names: c.2463G>A (NM_000368.4); c.2460G>A, p.Val820= (NM_001162426.2); c.2310G>A, p.Val770= (NM_001162427.2); c.2100G>A, p.Val700= (NM_001362177.2).
Identifiers: ClinVar variation 1156011 (VCV001156011.10), dbSNP rs764014190, ClinGen allele CA467590450.